The following is an entry in ClinVar:

NM_006922.4(SCN3A):c.4815T>A (p.Phe1605Leu)

Gene: SCN3A (sodium voltage-gated channel alpha subunit 3; minus strand). Cytogenetic location: 2q24.3.
Variant type: single nucleotide variant.
Coding change: c.4815T>A on transcript NM_006922.4 (MANE Select); coding-DNA position 4815, T replaced by A.
Protein change: p.Phe1605Leu; replaces phenylalanine 1605 with leucine.
Molecular consequence: missense variant.
Genome position (GRCh38, 1-based): chr2:165,091,338, A>T on the plus strand (T>A on the coding strand, the complement: SCN3A is on the minus strand). VCF-style: chr2-165091338-A-T. GRCh37 (hg19) VCF-style: chr2-165947848-A-T.
Other names: c.4668T>A, p.Phe1556Leu (NM_001081676.2, NM_001081677.2); short protein forms F1556L, F1605L.
Identifiers: ClinVar variation 4854889 (VCV004854889.1).

ClinVar aggregate classification (germline): Uncertain significance (1 of 4 stars; one submission).

Conditions:
Developmental and epileptic encephalopathy, 62. Also called: Early infantile epileptic encephalopathy 62. Identifiers: MedGen C4693699, MONDO:0033371, OMIM 617938.

Submission:

3billion
Classification: Uncertain significance for Developmental and epileptic encephalopathy, 62. Last evaluated: 2025-10-30. Review status: criteria provided, single submitter. Criteria: ACMG Guidelines, 2015. Collection method: clinical testing. Allele origin: germline. Affected: yes.
Comment: The variant is not observed in the gnomAD v4.1.0 dataset. Predicted Consequence/Location: Missense variant. Missense changes are a common disease-causing mechanism. In silico tool prediction suggests damaging effect of the variant on gene or gene product [3Cnet: 0.99 (> 0.75, sensitivity 0.96 and precision 0.92)]. Therefore, this variant is classified as VUS according to the recommendation of ACMG/AMP guideline.